The following is an entry in ClinVar:

ClinVar aggregate classification (germline): Uncertain significance. Review status: criteria provided, multiple submitters, no conflicts (2 of 4 stars). 2 submissions from 2 submitters: Uncertain significance (2). Last evaluated 2022-12-25.

Conditions:
Inborn genetic diseases. Identifiers: MedGen C0950123, MeSH D030342.

Allele frequency attached by ClinVar (database versions not stated): ExAC 0.00002; gnomAD 0.00002; TOPMed 0.00003.

Submissions (2):

Labcorp Genetics (formerly Invitae), Labcorp
Classification: Uncertain significance. Last evaluated: 2022-12-25. Review status: criteria provided, single submitter. Criteria: Invitae Variant Classification Sherloc (09022015). Collection method: clinical testing. Allele origin: germline.
Comment: In summary, the available evidence is currently insufficient to determine the role of this variant in disease. Therefore, it has been classified as a Variant of Uncertain Significance. Algorithms developed to predict the effect of missense changes on protein structure and function (SIFT, PolyPhen-2, Align-GVGD) all suggest that this variant is likely to be tolerated. This sequence change replaces arginine, which is basic and polar, with cysteine, which is neutral and slightly polar, at codon 211 of the CNOT1 protein (p.Arg211Cys). This variant is present in population databases (rs774157470, gnomAD 0.01%). This variant has not been reported in the literature in individuals affected with CNOT1-related conditions.

Ambry Genetics
Classification: Uncertain significance for Inborn genetic diseases. Last evaluated: 2021-03-15. Review status: criteria provided, single submitter. Criteria: Ambry Variant Classification Scheme 2023. Collection method: clinical testing. Allele origin: germline.
Comment: The c.631C>T (p.R211C) alteration is located in exon 7 (coding exon 6) of the CNOT1 gene. This alteration results from a C to T substitution at nucleotide position 631, causing the arginine (R) at amino acid position 211 to be replaced by a cysteine (C). The p.R211C alteration is predicted to be tolerated by in silico analysis. Based on insufficient or conflicting evidence, the clinical significance of this alteration remains unclear.

NM_016284.5(CNOT1):c.631C>T (p.Arg211Cys)

Gene: CNOT1 (CCR4-NOT transcription complex subunit 1; minus strand). Cytogenetic location: 16q21.
Variant type: single nucleotide variant.
Coding change: c.631C>T on transcript NM_016284.5 (MANE Select); coding-DNA position 631, C replaced by T.
Protein change: p.Arg211Cys; replaces arginine 211 with cysteine.
Molecular consequence: missense variant. On other transcripts: non-coding transcript variant (1).
Genome position (GRCh38, 1-based): chr16:58,586,551, G>A on the plus strand (C>T on the coding strand, the complement: CNOT1 is on the minus strand). VCF-style: chr16-58586551-G-A. GRCh37 (hg19) VCF-style: chr16-58620455-G-A.
Other names: c.631C>T (NM_016284.3); c.631C>T, p.Arg211Cys (NM_001265612.2, NM_206999.3); short protein forms R211C.
Identifiers: ClinVar variation 2215635 (VCV002215635.8), dbSNP rs774157470, ClinGen allele CA8090123.